The following is an entry in ClinVar:

ClinVar aggregate classification (germline): Conflicting classifications of pathogenicity. Review status: criteria provided, conflicting classifications (1 of 4 stars). 3 submissions from 3 submitters: Uncertain significance (2); Benign (1). Last evaluated 2025-07-29.

Conditions:
Adams-Oliver syndrome 5 (AOS5). Identifiers: Orphanet 974, MedGen C4014970, MONDO:0014459, OMIM 616028.
Familial thoracic aortic aneurysm and aortic dissection (TAAD). Also called: Thoracic aortic aneurysms and dissections. Identifiers: Orphanet 91387, MedGen C4707243, MONDO:0019625.

Allele frequency attached by ClinVar (database versions not stated): TOPMed 0.00002.
gnomAD v4.1: 7 of 1,607,066 alleles (0.00044%); highest among the groups gnomAD compares: Admixed American, 0.012%; no homozygotes.

Submissions (3):

GeneDx
Classification: Uncertain significance. Last evaluated: 2025-07-29. Review status: criteria provided, single submitter. Criteria: GeneDx Variant Classification Process June 2021. Collection method: clinical testing. Allele origin: germline. Affected: yes.
Comment: In silico analysis supports that this missense variant has a deleterious effect on protein structure/function; Has not been previously published as pathogenic or benign to our knowledge

Labcorp Genetics (formerly Invitae), Labcorp
Classification: Benign for Adams-Oliver syndrome 5. Last evaluated: 2024-08-07. Review status: criteria provided, single submitter. Criteria: Invitae Variant Classification Sherloc (09022015). Collection method: clinical testing. Allele origin: germline.

Ambry Genetics
Classification: Uncertain significance for Familial thoracic aortic aneurysm and aortic dissection. Last evaluated: 2024-02-13. Review status: criteria provided, single submitter. Criteria: Ambry Variant Classification Scheme 2023. Collection method: clinical testing. Allele origin: germline.

NM_017617.5(NOTCH1):c.6375C>G (p.His2125Gln)

Gene: NOTCH1 (notch receptor 1; minus strand). Cytogenetic location: 9q34.3.
Variant type: single nucleotide variant.
Coding change: c.6375C>G on transcript NM_017617.5 (MANE Select); coding-DNA position 6375, C replaced by G.
Protein change: p.His2125Gln; replaces histidine 2125 with glutamine.
Molecular consequence: missense variant.
Genome position (GRCh38, 1-based): chr9:136,497,364, G>C on the plus strand (C>G on the coding strand, the complement: NOTCH1 is on the minus strand). VCF-style: chr9-136497364-G-C. GRCh37 (hg19) VCF-style: chr9-139391816-G-C.
Other names: short protein forms H2125Q.
Identifiers: ClinVar variation 850593 (VCV000850593.10), dbSNP rs369009290, ClinGen allele CA5339919.